The following is an entry in ClinVar:

ClinVar aggregate classification (germline): Likely benign (1 of 4 stars; one submission).

Allele frequency attached by ClinVar (database versions not stated): gnomAD exomes below 0.00001.
gnomAD v4.1: 3 of 1,613,988 alleles (0.00019%); highest among the groups gnomAD compares: South Asian, 0.0022%; no homozygotes.

Submission:

GeneDx
Classification: Likely benign. Last evaluated: 2016-09-02. Review status: criteria provided, single submitter. Criteria: GeneDx Variant Classification (06012015). Collection method: clinical testing. Allele origin: germline. Affected: yes.
Comment: This variant is considered likely benign or benign based on one or more of the following criteria: it is a conservative change, it occurs at a poorly conserved position in the protein, it is predicted to be benign by multiple in silico algorithms, and/or has population frequency not consistent with disease.

NM_001148.6(ANK2):c.834T>C (p.Asn278=)

Gene: ANK2 (ankyrin 2; plus strand). Cytogenetic location: 4q26.
Variant type: single nucleotide variant.
Coding change: c.834T>C on transcript NM_001148.6 (MANE Select); coding-DNA position 834, T replaced by C.
Protein change: p.Asn278=; no amino-acid change (asparagine 278 retained).
Molecular consequence: synonymous variant.
Genome position (GRCh38, 1-based): chr4:113,242,152, T>C. VCF-style: chr4-113242152-T-C. GRCh37 (hg19) VCF-style: chr4-114163308-T-C.
Other names: c.771T>C, p.Asn257= (NM_001127493.3, NM_001354239.2, NM_001354243.2 and 14 more transcripts); c.834T>C, p.Asn278= (NM_001354225.2, NM_001354228.2, NM_001354232.2 and 9 more transcripts); c.879T>C, p.Asn293= (NM_001354230.2, NM_001354231.2, NM_001354237.2 and 5 more transcripts); c.747T>C, p.Asn249= (NM_001354249.2, NM_001354260.2, NM_001354264.2 and 16 more transcripts); c.792T>C, p.Asn264= (NM_001354261.2, NM_001386147.1, NM_001386160.1); c.822T>C, p.Asn274= (NM_001354269.3, NM_001386148.2, NM_001386186.2); c.885T>C, p.Asn295= (NM_001386174.1); c.861T>C, p.Asn287= (NM_001386175.1); and 1 more.
Identifiers: ClinVar variation 389074 (VCV000389074.1), dbSNP rs1057523315, ClinGen allele CA16604644.